The following is an entry in ClinVar:

ClinVar aggregate classification (germline): Uncertain significance. Review status: criteria provided, multiple submitters, no conflicts (2 of 4 stars). 2 submissions from 2 submitters: Uncertain significance (2). Last evaluated 2023-12-23.

Conditions:
Aortic aneurysm, familial thoracic 4 (AAT4). Also called: AORTIC ANEURYSM/AORTIC DISSECTION AND PATENT DUCTUS ARTERIOSUS. Identifiers: MedGen C1851504, MONDO:0007568, OMIM 132900.

Allele frequency attached by ClinVar (database versions not stated): gnomAD exomes below 0.00001.
gnomAD v4.1: 1 of 1,614,102 alleles (0.000062%); highest among the groups gnomAD compares: Non-Finnish European, 0.000085%; no homozygotes.

Submissions (2):

Labcorp Genetics (formerly Invitae), Labcorp
Classification: Uncertain significance for Aortic aneurysm, familial thoracic 4. Last evaluated: 2023-12-23. Review status: criteria provided, single submitter. Criteria: Invitae Variant Classification Sherloc (09022015). Collection method: clinical testing. Allele origin: germline.
Comment: This sequence change falls in intron 33 of the MYH11 gene. It does not directly change the encoded amino acid sequence of the MYH11 protein. It affects a nucleotide within the consensus splice site. This variant is not present in population databases (gnomAD no frequency). This variant has not been reported in the literature in individuals affected with MYH11-related conditions. ClinVar contains an entry for this variant (Variation ID: 504239). Variants that disrupt the consensus splice site are a relatively common cause of aberrant splicing (PMID: 17576681, 9536098). Algorithms developed to predict the effect of sequence changes on RNA splicing suggest that this variant may disrupt the consensus splice site. In summary, the available evidence is currently insufficient to determine the role of this variant in disease. Therefore, it has been classified as a Variant of Uncertain Significance.

GeneDx
Classification: Uncertain significance. Last evaluated: 2018-02-12. Review status: criteria provided, single submitter. Criteria: GeneDx Variant Classification (06012015). Collection method: clinical testing. Allele origin: germline. Affected: yes.
Comment: A variant of uncertain significance has been identified in the MYH11 gene. The c.4578+5 G>C variant has not been published as pathogenic or been reported as benign to our knowledge. This variant is not observed in large population cohorts (Lek et al., 2016). In silico splice algorithms predict this variant may lead to reduced efficiency of the intron 32 splice donor site and impact normal gene splicing. Other variants affecting the same splice donor site (c.4578+1G>T, c.4578+1G>A) have been reported in the Human Gene Mutation Database (Stenson et al., 2014), in association with TAAD. However, in the absence of functional mRNA studies, the physiological consequence of the c.4578+5 G>C variant cannot be precisely determined.

Literature cited by the submitters: PubMed 17576681 (cited by Labcorp Genetics (formerly Invitae), Labcorp); PubMed 9536098 (cited by Labcorp Genetics (formerly Invitae), Labcorp).

NM_002474.3(MYH11):c.4578+5G>C

Genes: MYH11 (myosin heavy chain 11; minus strand), NDE1 (nudE neurodevelopment protein 1; plus strand). Cytogenetic location: 16p13.11.
Variant type: single nucleotide variant.
Coding change: c.4578+5G>C on transcript NM_002474.3 (MANE Select); 5 bases into the intron after coding-DNA position 4578, G replaced by C.
Molecular consequence: intron variant.
Genome position (GRCh38, 1-based): chr16:15,721,417, C>G on the plus strand (G>C on the coding strand, the complement: MYH11 is on the minus strand). VCF-style: chr16-15721417-C-G. GRCh37 (hg19) VCF-style: chr16-15815274-C-G.
Other names: c.948-2774C>G (NM_001143979.2, NM_017668.3); c.4578+5G>C (NM_022844.3); c.4599+5G>C (NM_001040114.2, NM_001040113.2).
Identifiers: ClinVar variation 504239 (VCV000504239.4), dbSNP rs1555552121, ClinGen allele CA658798549.
Genomic context (GRCh38, chr16:15,721,417, plus strand): 5'-TGGTGAATAGCACAGAGGGTGGGCAGGCGAAACATGGACGAGAAAAACCACCCAGAGCCA[C>G]TTACGTTCTTGCCCACGTCATCCTTGGAGCTGACCAGGTCTTCCATTTCGGCTTTGAGCA-3'